The following is an entry in ClinVar:

ClinVar aggregate classification (germline): Uncertain significance (1 of 4 stars; one submission).

gnomAD v4.1: 2 of 1,600,148 alleles (0.00012%); highest among the groups gnomAD compares: Admixed American, 0.0034%; no homozygotes.

Submission:

Labcorp Genetics (formerly Invitae), Labcorp
Classification: Uncertain significance. Last evaluated: 2024-03-24. Review status: criteria provided, single submitter. Criteria: Invitae Variant Classification Sherloc (09022015). Collection method: clinical testing. Allele origin: germline.
Comment: This sequence change replaces threonine, which is neutral and polar, with arginine, which is basic and polar, at codon 450 of the MKL1 protein (p.Thr450Arg). The frequency data for this variant in the population databases is considered unreliable, as metrics indicate poor data quality at this position in the gnomAD database. This variant has not been reported in the literature in individuals affected with MKL1-related conditions. An algorithm developed to predict the effect of missense changes on protein structure and function (PolyPhen-2) suggests that this variant is likely to be disruptive. In summary, the available evidence is currently insufficient to determine the role of this variant in disease. Therefore, it has been classified as a Variant of Uncertain Significance.

NM_020831.6(MRTFA):c.1649C>G (p.Thr550Arg)

Gene: MRTFA (myocardin related transcription factor A; minus strand). Cytogenetic location: 22q13.1.
Variant type: single nucleotide variant.
Coding change: c.1649C>G on transcript NM_020831.6 (MANE Select); coding-DNA position 1649, C replaced by G.
Protein change: p.Thr550Arg; replaces threonine 550 with arginine.
Molecular consequence: missense variant.
Genome position (GRCh38, 1-based): chr22:40,419,089, G>C on the plus strand (C>G on the coding strand, the complement: MRTFA is on the minus strand). VCF-style: chr22-40419089-G-C. GRCh37 (hg19) VCF-style: chr22-40815093-G-C.
Other names: c.1349C>G, p.Thr450Arg (NM_001282660.2); c.1499C>G, p.Thr500Arg (NM_001282661.3); c.1649C>G, p.Thr550Arg (NM_001282662.3); c.1454C>G, p.Thr485Arg (NM_001318139.2); short protein forms T500R, T450R, T485R, T550R.
Identifiers: ClinVar variation 3675551 (VCV003675551.2).
Genomic context (GRCh38, chr22:40,419,089, plus strand): 5'-GAGTTTTCATCGCCCGTGCTGAGCAGTGAGCGCTCCGAGGGGGTGGGAGACACGGGGGGC[G>C]TGGAGCCCGTGCTGCCAAACTTCACCACCCCACTGCTGGCCACCGTGGCCACCACCACCT-3'
Protein context (NP_065882.2, residues 540-560): GVVKFGSTGS[Thr550Arg]PPVSPTPSER